The following is an entry in ClinVar:

ClinVar aggregate classification (germline): Likely pathogenic (1 of 4 stars; one submission).

Conditions:
Ornithine carbamoyltransferase deficiency (OTCD). Also called: ORNITHINE TRANSCARBAMYLASE DEFICIENCY; OTC DEFICIENCY; ORNITHINE TRANSCARBAMYLASE DEFICIENCY, HYPERAMMONEMIA DUE TO; Ornithine Carbamoyltransferase Deficiency Disease. Identifiers: Orphanet 664, MedGen C0268542, MONDO:0010703, OMIM 311250.

Submission:

Labcorp Genetics (formerly Invitae), Labcorp
Classification: Likely pathogenic for Ornithine carbamoyltransferase deficiency. Last evaluated: 2023-03-23. Review status: criteria provided, single submitter. Criteria: Invitae Variant Classification Sherloc (09022015). Collection method: clinical testing. Allele origin: germline.
Comment: This variant disrupts the p.Asp196 amino acid residue in OTC. Other variant(s) that disrupt this residue have been observed in individuals with OTC-related conditions (PMID: 16786505, 21488237), which suggests that this may be a clinically significant amino acid residue. This sequence change replaces aspartic acid, which is acidic and polar, with glutamic acid, which is acidic and polar, at codon 196 of the OTC protein (p.Asp196Glu). This variant is not present in population databases (gnomAD no frequency). This missense change has been observed in individual(s) with OTC-related conditions (Invitae). ClinVar contains an entry for this variant (Variation ID: 999435). Advanced modeling of protein sequence and biophysical properties (such as structural, functional, and spatial information, amino acid conservation, physicochemical variation, residue mobility, and thermodynamic stability) performed at Invitae indicates that this missense variant is expected to disrupt OTC protein function. In summary, the currently available evidence indicates that the variant is pathogenic, but additional data are needed to prove that conclusively. Therefore, this variant has been classified as Likely Pathogenic.

Literature cited by the submitters: PubMed 16786505; PubMed 21488237.

NM_000531.6(OTC):c.588T>A (p.Asp196Glu)

Gene: OTC (ornithine transcarbamylase; plus strand). Cytogenetic location: Xp11.4.
Variant type: single nucleotide variant.
Coding change: c.588T>A on transcript NM_000531.6 (MANE Select); coding-DNA position 588, T replaced by A.
Protein change: p.Asp196Glu; replaces aspartic acid 196 with glutamic acid.
Molecular consequence: missense variant.
Genome position (GRCh38, 1-based): chrX:38,403,665, T>A. VCF-style: chrX-38403665-T-A. GRCh37 (hg19) VCF-style: chrX-38262918-T-A.
Other names: short protein forms D196E.
Identifiers: ClinVar variation 999435 (VCV000999435.9), dbSNP rs2068501518, ClinGen allele CA412725433.